The following is an entry in ClinVar:

ClinVar aggregate classification (germline): Pathogenic. Review status: criteria provided, single submitter (1 of 4 stars). 2 submissions from 2 submitters: Pathogenic (1). 1 of the submissions does not count toward it. Last evaluated 2020-09-18.

Conditions:
Infantile hypophosphatasia. Identifiers: Orphanet 247651, Orphanet 436, MedGen C0268412, MONDO:1010169, OMIM 241500, MONDO:0009427.

Submissions (2):

Labcorp Genetics (formerly Invitae), Labcorp
Classification: Pathogenic. Last evaluated: 2020-09-18. Review status: criteria provided, single submitter. Criteria: Invitae Variant Classification Sherloc (09022015). Collection method: clinical testing. Allele origin: germline.
Comment: For these reasons, this variant has been classified as Pathogenic. Loss-of-function variants in ALPL are known to be pathogenic (PMID: 3174660, 10679946, 19500388). This variant has not been reported in the literature in individuals with ALPL-related conditions. ClinVar contains an entry for this variant (Variation ID: 555382). This variant is not present in population databases (ExAC no frequency). This sequence change creates a premature translational stop signal (p.Met62Aspfs*48) in the ALPL gene. It is expected to result in an absent or disrupted protein product.

Counsyl
Classification: Likely pathogenic for Infantile hypophosphatasia. Last evaluated: 2017-12-04. Review status: no assertion criteria provided. Collection method: clinical testing. Allele origin: unknown. Not counted in ClinVar's aggregate classification.

Literature cited by the submitters: PubMed 3174660 (cited by Labcorp Genetics (formerly Invitae), Labcorp); PubMed 10679946 (cited by Labcorp Genetics (formerly Invitae), Labcorp); PubMed 19500388 (cited by Labcorp Genetics (formerly Invitae), Labcorp).

NM_000478.4(ALPL):c.183dupG

Gene: ALPL (alkaline phosphatase, biomineralization associated; plus strand). Cytogenetic location: 1p36.12.
Variant type: Duplication.
Coding change: c.183dupG on transcript NM_000478.4; coding-DNA position 183, one base duplicated (G).
Molecular consequence: intron variant (on NM_001177520.3).
Genome position (GRCh38, 1-based): chr1:21,561,098, G duplicated; the last of 3 consecutive G bases (chr1:21,561,096-21,561,098); duplicating any one gives the same sequence. VCF-style (leftmost placement, unchanged base first): chr1-21561095-A-AG. GRCh37 (hg19) VCF-style: chr1-21887588-A-AG.
Other names: c.66+353dup (NM_001177520.3).
Identifiers: ClinVar variation 555382 (VCV000555382.9), dbSNP rs1553411890, ClinGen allele CA658820983.